The following is an entry in ClinVar:

NM_001943.5(DSG2):c.1988C>T (p.Pro663Leu)

Gene: DSG2 (desmoglein 2; plus strand). Cytogenetic location: 18q12.1.
Variant type: single nucleotide variant.
Coding change: c.1988C>T on transcript NM_001943.5 (MANE Select); coding-DNA position 1988, C replaced by T.
Protein change: p.Pro663Leu; replaces proline 663 with leucine.
Molecular consequence: missense variant.
Genome position (GRCh38, 1-based): chr18:31,541,301, C>T. VCF-style: chr18-31541301-C-T. GRCh37 (hg19) VCF-style: chr18-29121264-C-T.
Other names: c.1988C>T (NM_001943.3); short protein forms P663L.
Identifiers: ClinVar variation 1479437 (VCV001479437.9), dbSNP rs893262083, ClinGen allele CA402139884.
Genomic context (GRCh38, chr18:31,541,301, plus strand): 5'-GCTTTACCCCCATACCTGGCACCATAGAGATGCTGCATCCTTGGAATAATGAAGGAGCAC[C>T]ACCTGAAGACAAGGTCAGTGGATCAGATGTCAATATGACTTGTCTTCTTCTTGGGTTTTA-3'
Protein context (NP_001934.2, residues 653-673): MLHPWNNEGA[Pro663Leu]PEDKVVPSFL

ClinVar aggregate classification (germline): Uncertain significance. Review status: criteria provided, multiple submitters, no conflicts (2 of 4 stars). 2 submissions from 2 submitters: Uncertain significance (2). Last evaluated 2024-08-07.

Conditions:
Cardiovascular phenotype. Identifiers: MedGen CN230736.
Arrhythmogenic right ventricular dysplasia 10. Also called: ARRHYTHMOGENIC RIGHT VENTRICULAR DYSPLASIA, FAMILIAL, 10; Arrhythmogenic Right Ventricular Dysplasia/Cardiomyopathy10; Arrhythmogenic right ventricular dysplasia/cardiomyopathy, type 10. Identifiers: MedGen C1857777, MONDO:0012434, OMIM 610193.

Allele frequency attached by ClinVar (database versions not stated): gnomAD exomes below 0.00001.
gnomAD v4.1: 1 of 1,614,028 alleles (0.000062%); highest among the groups gnomAD compares: East Asian, 0.0022%; no homozygotes.

Submissions (2):

Ambry Genetics
Classification: Uncertain significance for Cardiovascular phenotype. Last evaluated: 2024-08-07. Review status: criteria provided, single submitter. Criteria: Ambry Variant Classification Scheme 2023. Collection method: clinical testing. Allele origin: germline.
Comment: The p.P663L variant (also known as c.1988C>T), located in coding exon 13 of the DSG2 gene, results from a C to T substitution at nucleotide position 1988. The proline at codon 663 is replaced by leucine, an amino acid with similar properties. This amino acid position is conserved. In addition, this alteration is predicted to be tolerated by in silico analysis. Based on the available evidence, the clinical significance of this variant remains unclear.

Labcorp Genetics (formerly Invitae), Labcorp
Classification: Uncertain significance for Arrhythmogenic right ventricular dysplasia 10. Last evaluated: 2021-05-30. Review status: criteria provided, single submitter. Criteria: Invitae Variant Classification Sherloc (09022015). Collection method: clinical testing. Allele origin: germline.
Comment: In summary, the available evidence is currently insufficient to determine the role of this variant in disease. Therefore, it has been classified as a Variant of Uncertain Significance. Algorithms developed to predict the effect of missense changes on protein structure and function are either unavailable or do not agree on the potential impact of this missense change (SIFT: "Tolerated"; PolyPhen-2: "Probably Damaging"; Align-GVGD: "Class C0"). This variant has not been reported in the literature in individuals with DSG2-related conditions. This variant is not present in population databases (ExAC no frequency). This sequence change replaces proline with leucine at codon 663 of the DSG2 protein (p.Pro663Leu). The proline residue is moderately conserved and there is a moderate physicochemical difference between proline and leucine.